The following is an entry in ClinVar:

NM_006420.3(ARFGEF2):c.587G>A (p.Arg196His)

Gene: ARFGEF2 (ARF guanine nucleotide exchange factor 2; plus strand). Cytogenetic location: 20q13.13.
Variant type: single nucleotide variant.
Coding change: c.587G>A on transcript NM_006420.3 (MANE Select); coding-DNA position 587, G replaced by A.
Protein change: p.Arg196His; replaces arginine 196 with histidine.
Molecular consequence: missense variant.
Genome position (GRCh38, 1-based): chr20:48,952,868, G>A. VCF-style: chr20-48952868-G-A. GRCh37 (hg19) VCF-style: chr20-47569405-G-A.
Other names: c.587G>A, p.Arg196His (NM_001410846.1); short protein forms R196H.
Identifiers: ClinVar variation 2154225 (VCV002154225.4), dbSNP rs572333257, ClinGen allele CA9898185.

ClinVar aggregate classification (germline): Uncertain significance (1 of 4 stars; one submission).

Allele frequency attached by ClinVar (database versions not stated): gnomAD 0.00001; TOPMed 0.00002.

Submission:

Labcorp Genetics (formerly Invitae), Labcorp
Classification: Uncertain significance. Last evaluated: 2024-09-05. Review status: criteria provided, single submitter. Criteria: Invitae Variant Classification Sherloc (09022015). Collection method: clinical testing. Allele origin: germline.
Comment: This sequence change replaces arginine, which is basic and polar, with histidine, which is basic and polar, at codon 196 of the ARFGEF2 protein (p.Arg196His). This variant is present in population databases (rs572333257, gnomAD 0.02%). This variant has not been reported in the literature in individuals affected with ARFGEF2-related conditions. ClinVar contains an entry for this variant (Variation ID: 2154225). An algorithm developed to predict the effect of missense changes on protein structure and function (PolyPhen-2) suggests that this variant is likely to be disruptive. In summary, the available evidence is currently insufficient to determine the role of this variant in disease. Therefore, it has been classified as a Variant of Uncertain Significance.